The following is an entry in ClinVar:

ClinVar aggregate classification (germline): Uncertain significance (0 of 4 stars; one submission).

Conditions:
HTR2C-related disorder. Also called: HTR2C-related condition.

gnomAD v4.1: 5 of 1,209,559 alleles (0.00041%); highest among the groups gnomAD compares: Non-Finnish European, 0.00056%; no homozygotes.

Submission:

PreventionGenetics, part of Exact Sciences
Classification: Uncertain significance for HTR2C-related condition. Last evaluated: 2024-02-09. Review status: no assertion criteria provided. Collection method: clinical testing. Allele origin: germline.
Comment: The HTR2C c.1222G>A variant is predicted to result in the amino acid substitution p.Gly408Arg. To our knowledge, this variant has not been reported in the literature. This variant is reported in 0.0012% of alleles in individuals of European (Non-Finnish) descent in gnomAD. At this time, the clinical significance of this variant is uncertain due to the absence of conclusive functional and genetic evidence.

NM_000868.4(HTR2C):c.1222G>A (p.Gly408Arg)

Genes: HTR2C (5-hydroxytryptamine receptor 2C; plus strand), LOC126863306 (MED14-independent group 3 enhancer GRCh37_chrX:114140926-114142125; plus strand). Cytogenetic location: Xq23.
Variant type: single nucleotide variant.
Coding change: c.1222G>A on transcript NM_000868.4 (MANE Select); coding-DNA position 1222, G replaced by A.
Protein change: p.Gly408Arg; replaces glycine 408 with arginine.
Molecular consequence: missense variant. On other transcripts: 3 prime UTR variant (1).
Genome position (GRCh38, 1-based): chrX:114,907,260, G>A. VCF-style: chrX-114907260-G-A. GRCh37 (hg19) VCF-style: chrX-114141823-G-A.
Other names: c.1222G>A, p.Gly408Arg (NM_001256760.3); c.*380G>A (NM_001256761.3); short protein forms G408R.
Identifiers: ClinVar variation 3353252 (VCV003353252.1).